The following is an entry in ClinVar:

ClinVar aggregate classification (germline): Benign (0 of 4 stars; one submission).

Conditions:
PDZD2-related disorder. Also called: PDZD2-related condition.

Allele frequency attached by ClinVar (database versions not stated): gnomAD exomes 0.00277; ExAC 0.00908; gnomAD 0.02833; TOPMed 0.03186; ESP Exome Variant Server 0.03291; 1000 Genomes Project 0.03315; 1000 Genomes Project 30x 0.03404.
gnomAD v4.1: 8,508 of 1,613,856 alleles (0.53%); highest among the groups gnomAD compares: African/African-American, 10%; 384 homozygotes.

Submission:

PreventionGenetics, part of Exact Sciences
Classification: Benign for PDZD2-related condition. Last evaluated: 2019-07-29. Review status: no assertion criteria provided. Collection method: clinical testing. Allele origin: germline.
Comment: This variant is classified as benign based on ACMG/AMP sequence variant interpretation guidelines (Richards et al. 2015 PMID: 25741868, with internal and published modifications).

NM_178140.4(PDZD2):c.2937A>G (p.Glu979=)

Gene: PDZD2 (PDZ domain containing 2; plus strand). Cytogenetic location: 5p13.3.
Variant type: single nucleotide variant.
Coding change: c.2937A>G on transcript NM_178140.4 (MANE Select); coding-DNA position 2937, A replaced by G.
Protein change: p.Glu979=; no amino-acid change (glutamic acid 979 retained).
Molecular consequence: synonymous variant.
Genome position (GRCh38, 1-based): chr5:32,074,043, A>G. VCF-style: chr5-32074043-A-G. GRCh37 (hg19) VCF-style: chr5-32074149-A-G.
Identifiers: ClinVar variation 3043897 (VCV003043897.2), dbSNP rs61746949, ClinGen allele CA3219351.